The following is an entry in ClinVar:

NM_138694.4(PKHD1):c.1906C>T (p.Gln636Ter)

Gene: PKHD1 (PKHD1 ciliary IPT domain containing fibrocystin/polyductin; minus strand). Cytogenetic location: 6p12.2.
Variant type: single nucleotide variant.
Coding change: c.1906C>T on transcript NM_138694.4 (MANE Select); coding-DNA position 1906, C replaced by T.
Protein change: p.Gln636Ter; replaces glutamine 636 with a stop codon.
Molecular consequence: nonsense.
Genome position (GRCh38, 1-based): chr6:52,054,096, G>A on the plus strand (C>T on the coding strand, the complement: PKHD1 is on the minus strand). VCF-style: chr6-52054096-G-A. GRCh37 (hg19) VCF-style: chr6-51918894-G-A.
Other names: c.1906C>T, p.Gln636Ter (NM_170724.3); short protein forms Q636*.
Identifiers: ClinVar variation 4816594 (VCV004816594.1).

ClinVar aggregate classification (germline): Likely pathogenic (1 of 4 stars; one submission).

Conditions:
Autosomal recessive polycystic kidney disease (ARPKD). Also called: AR polycystic kidney disease. Identifiers: Orphanet 731, Orphanet 8378, MedGen C0085548, MeSH D017044, MONDO:0009889.

Submission:

Natera, Inc.
Classification: Likely pathogenic for Autosomal recessive polycystic kidney disease. Last evaluated: 2026-01-09. Review status: criteria provided, single submitter. Criteria: Natera Variant Classification Schema (03/2026). Collection method: clinical testing. Allele origin: germline.
Comment: The c.1906C>T variant in PKHD1 is a nonsense variant predicted to introduce a stop codon at amino acid 636. This variant is expected to result in nonsense mediated decay, truncation, or a dysfunctional protein product. This variant is rare in the general population with a frequency below the threshold expected for the associated phenotype(s). Given the available evidence, this variant is classified as Likely Pathogenic.